The following is an entry in ClinVar:

ClinVar aggregate classification (germline): Uncertain significance (1 of 4 stars; one submission).

Conditions:
Neurodevelopmental disorder with or without hyperkinetic movements and seizures, autosomal dominant. Also called: Intellectual disability, autosomal dominant 8. Identifiers: MedGen C3280282, MONDO:0013655, OMIM 614254.

Allele frequency attached by ClinVar (database versions not stated): gnomAD exomes below 0.00001; TOPMed 0.00001.

Submission:

Labcorp Genetics (formerly Invitae), Labcorp
Classification: Uncertain significance for Neurodevelopmental disorder with or without hyperkinetic movements and seizures, autosomal dominant. Last evaluated: 2023-12-11. Review status: criteria provided, single submitter. Criteria: Invitae Variant Classification Sherloc (09022015). Collection method: clinical testing. Allele origin: germline.
Comment: This sequence change replaces methionine, which is neutral and non-polar, with threonine, which is neutral and polar, at codon 125 of the GRIN1 protein (p.Met125Thr). This variant is not present in population databases (gnomAD no frequency). This variant has not been reported in the literature in individuals affected with GRIN1-related conditions. ClinVar contains an entry for this variant (Variation ID: 1931320). Advanced modeling of protein sequence and biophysical properties (such as structural, functional, and spatial information, amino acid conservation, physicochemical variation, residue mobility, and thermodynamic stability) has been performed at Invitae for this missense variant, however the output from this modeling did not meet the statistical confidence thresholds required to predict the impact of this variant on GRIN1 protein function. In summary, the available evidence is currently insufficient to determine the role of this variant in disease. Therefore, it has been classified as a Variant of Uncertain Significance.

NM_007327.4(GRIN1):c.374T>C (p.Met125Thr)

Gene: GRIN1 (glutamate ionotropic receptor NMDA type subunit 1; plus strand). Cytogenetic location: 9q34.3.
Variant type: single nucleotide variant.
Coding change: c.374T>C on transcript NM_007327.4 (MANE Select); coding-DNA position 374, T replaced by C.
Protein change: p.Met125Thr; replaces methionine 125 with threonine.
Molecular consequence: missense variant.
Genome position (GRCh38, 1-based): chr9:137,142,128, T>C. VCF-style: chr9-137142128-T-C. GRCh37 (hg19) VCF-style: chr9-140036580-T-C.
Other names: c.374T>C, p.Met125Thr (NM_000832.7, NM_001185090.2, NM_001185091.2 and 1 more transcripts); short protein forms M125T.
Identifiers: ClinVar variation 1931320 (VCV001931320.5), dbSNP rs1832208899, ClinGen allele CA375713748.